The following is an entry in ClinVar:

NM_000540.3(RYR1):c.13899G>A (p.Leu4633=)

Gene: RYR1 (ryanodine receptor 1; plus strand). Cytogenetic location: 19q13.2.
Variant type: single nucleotide variant.
Coding change: c.13899G>A on transcript NM_000540.3 (MANE Select); coding-DNA position 13899, G replaced by A.
Protein change: p.Leu4633=; no amino-acid change (leucine 4633 retained).
Molecular consequence: synonymous variant.
Genome position (GRCh38, 1-based): chr19:38,572,171, G>A. VCF-style: chr19-38572171-G-A. GRCh37 (hg19) VCF-style: chr19-39062811-G-A.
Other names: c.13884G>A, p.Leu4628= (NM_001042723.2).
Identifiers: ClinVar variation 2918724 (VCV002918724.6), dbSNP rs1280134766, ClinGen allele CA507356133.

ClinVar aggregate classification (germline): Conflicting classifications of pathogenicity. Review status: criteria provided, conflicting classifications (1 of 4 stars). 3 submissions from 3 submitters: Uncertain significance (2); Likely benign (1). Last evaluated 2025-08-07.

Conditions:
Malignant hyperthermia, susceptibility to, 1 (MHS1). Also called: Malignant hyperthermia suceptibility 1; Anesthesia related hyperthermia; Malignant hyperpyrexia; Fulminating hyperpyrexia; Pharmacogenic myopathy; RYR1-Related Malignant Hyperthermia Susceptibility. Identifiers: Orphanet 423, MedGen C2930980, MONDO:0007783, OMIM 145600.
RYR1-related disorder. Also called: RYR1-related disorders; RYR1-related condition. Identifiers: MedGen CN239331.

Allele frequency attached by ClinVar (database versions not stated): gnomAD exomes below 0.00001; TOPMed below 0.00001; gnomAD 0.00001.
gnomAD v4.1: 4 of 1,613,962 alleles (0.00025%); highest among the groups gnomAD compares: Non-Finnish European, 0.00034%; no homozygotes.

Submissions (3):

Color Diagnostics, LLC DBA Color Health
Classification: Uncertain significance for Malignant hyperthermia, susceptibility to, 1. Last evaluated: 2025-08-07. Review status: criteria provided, single submitter. Criteria: ACMG Guidelines, 2015. Collection method: clinical testing. Allele origin: germline.
Comment: This variant is located in the RYR1 protein. To our knowledge, functional studies have not been reported for this variant. This variant has not been reported in individuals affected with RYR1-related disorders in the literature. This variant has not been identified in the general population by the Genome Aggregation Database (gnomAD). The available evidence is insufficient to determine the role of this variant in disease conclusively. Therefore, this variant is classified as a Variant of Uncertain Significance.

All of Us Research Program, National Institutes of Health
Classification: Uncertain significance for Malignant hyperthermia, susceptibility to, 1. Last evaluated: 2024-06-09. Review status: criteria provided, single submitter. Criteria: ACMG Guidelines, 2015. Collection method: clinical testing. Allele origin: germline. Inheritance: Autosomal dominant inheritance. Observed: 3 variant alleles, 3 heterozygotes.
Comment: This variant is located in the RYR1 protein. To our knowledge, functional studies have not been reported for this variant. This variant has not been reported in individuals affected with RYR1-related disorders in the literature. This variant has not been identified in the general population by the Genome Aggregation Database (gnomAD). The available evidence is insufficient to determine the role of this variant in disease conclusively. Therefore, this variant is classified as a Variant of Uncertain Significance.

This study involves interpretation of variants in research participants for the purpose of population health screening. Participant phenotype was not available at the time of variant classification. Additional details can be found in publication PMID: 35346344, PMCID: PMC8962531

Labcorp Genetics (formerly Invitae), Labcorp
Classification: Likely benign for RYR1-related disorder. Last evaluated: 2024-01-04. Review status: criteria provided, single submitter. Criteria: Invitae Variant Classification Sherloc (09022015). Collection method: clinical testing. Allele origin: germline.